The following is an entry in ClinVar:

NM_144687.4(NLRP12):c.431A>C (p.Asn144Thr)

Gene: NLRP12 (NLR family pyrin domain containing 12; minus strand). Cytogenetic location: 19q13.42.
Variant type: single nucleotide variant.
Coding change: c.431A>C on transcript NM_144687.4 (MANE Select); coding-DNA position 431, A replaced by C.
Protein change: p.Asn144Thr; replaces asparagine 144 with threonine.
Molecular consequence: missense variant.
Genome position (GRCh38, 1-based): chr19:53,811,228, T>G on the plus strand (A>C on the coding strand, the complement: NLRP12 is on the minus strand). VCF-style: chr19-53811228-T-G. GRCh37 (hg19) VCF-style: chr19-54314482-T-G.
Other names: c.431A>C, p.Asn144Thr (NM_001277126.2, NM_001277129.1); short protein forms N144T.
Identifiers: ClinVar variation 1398385 (VCV001398385.8), dbSNP rs2122683509, ClinGen allele CA407416988.

ClinVar aggregate classification (germline): Uncertain significance (1 of 4 stars; one submission).

Conditions:
Familial cold autoinflammatory syndrome 2 (FCAS2). Identifiers: Orphanet 247868, MedGen C2673198, MONDO:0012724, OMIM 611762.

Submission:

Labcorp Genetics (formerly Invitae), Labcorp
Classification: Uncertain significance for Familial cold autoinflammatory syndrome 2. Last evaluated: 2022-07-25. Review status: criteria provided, single submitter. Criteria: Invitae Variant Classification Sherloc (09022015). Collection method: clinical testing. Allele origin: germline.
Comment: This variant is not present in population databases (gnomAD no frequency). This sequence change replaces asparagine, which is neutral and polar, with threonine, which is neutral and polar, at codon 144 of the NLRP12 protein (p.Asn144Thr). This variant has not been reported in the literature in individuals affected with NLRP12-related conditions. In summary, the available evidence is currently insufficient to determine the role of this variant in disease. Therefore, it has been classified as a Variant of Uncertain Significance. Algorithms developed to predict the effect of missense changes on protein structure and function are either unavailable or do not agree on the potential impact of this missense change (SIFT: "Deleterious"; PolyPhen-2: "Probably Damaging"; Align-GVGD: "Class C0"). ClinVar contains an entry for this variant (Variation ID: 1398385).